The following is an entry in ClinVar:

NM_000642.3(AGL):c.2600del (p.Leu867fs)

Gene: AGL (amylo-alpha-1,6-glucosidase and 4-alpha-glucanotransferase; plus strand). Cytogenetic location: 1p21.2.
Variant type: Deletion.
Coding change: c.2600del on transcript NM_000642.3 (MANE Select); coding-DNA position 2600, one base deleted (T; older notation c.2600delT).
Protein change: p.Leu867fs; shifts the reading frame from leucine 867.
Molecular consequence: frameshift variant. On other transcripts: intron variant (1).
Genome position (GRCh38, 1-based): chr1:99,884,622, T deleted. VCF-style (leftmost placement, unchanged base first): chr1-99884621-CT-C. GRCh37 (hg19) VCF-style: chr1-100350177-CT-C.
Other names: c.2600del, p.Leu867fs (NM_000028.3, NM_000643.3, NM_000644.3 and 2 more transcripts); c.2552del, p.Leu851fs (NM_000646.3); c.2399del, p.Leu800fs (NM_001425327.1); c.2396del, p.Leu799fs (NM_001425328.1); c.2222del, p.Leu741fs (NM_001425332.1); c.2342+171del (NM_001425329.1); short protein forms L741fs, L799fs, L800fs, L851fs, L867fs.
Identifiers: ClinVar variation 5013321 (VCV005013321.1).

ClinVar aggregate classification (germline): Pathogenic (1 of 4 stars; one submission).

Conditions:
Glycogen storage disease type III (GSD3). Also called: FORBES DISEASE; Cori disease. Identifiers: Orphanet 366, MedGen C0017922, MONDO:0009291, OMIM 232400.

Submission:

Myriad Genetics, Inc.
Classification: Pathogenic for Glycogen storage disease type III. Last evaluated: 2024-07-17. Review status: criteria provided, single submitter. Criteria: Myriad Autosomal Dominant, Autosomal Recessive and X-Linked Classification Criteria (2023). Collection method: clinical testing. Allele origin: unknown.
Comment: NM_000642.2(AGL):c.2600delT(L867Rfs*13) is expected to be pathogenic in the context of glycogen storage disease type III. This variant is predicted to lead to an abnormal or absent protein product due to the creation of a premature termination codon in AGL, a gene where loss-of-function variants are known to be pathogenic. Please note: this variant was assessed in the context of healthy population screening.